The following is an entry in ClinVar:

ClinVar aggregate classification (germline): Uncertain significance (1 of 4 stars; one submission).

Allele frequency attached by ClinVar (database versions not stated): gnomAD exomes below 0.00001.
gnomAD v4.1: 2 of 1,596,068 alleles (0.00013%); highest among the groups gnomAD compares: Non-Finnish European, 0.00017%; no homozygotes.

Submission:

GeneDx
Classification: Uncertain significance. Last evaluated: 2019-05-14. Review status: criteria provided, single submitter. Criteria: GeneDx Variant Classification Process June 2021. Collection method: clinical testing. Allele origin: germline. Affected: yes.
Comment: Not observed in large population cohorts (Lek et al., 2016); In silico analysis, which includes protein predictors and evolutionary conservation, supports a deleterious effect; Has not been previously published as pathogenic or benign to our knowledge

NM_032119.4(ADGRV1):c.18542T>G (p.Phe6181Cys)

Gene: ADGRV1 (adhesion G protein-coupled receptor V1; plus strand). Cytogenetic location: 5q14.3.
Variant type: single nucleotide variant.
Coding change: c.18542T>G on transcript NM_032119.4 (MANE Select); coding-DNA position 18542, T replaced by G.
Protein change: p.Phe6181Cys; replaces phenylalanine 6181 with cysteine.
Molecular consequence: missense variant. On other transcripts: non-coding transcript variant (1).
Genome position (GRCh38, 1-based): chr5:91,150,139, T>G. VCF-style: chr5-91150139-T-G. GRCh37 (hg19) VCF-style: chr5-90445956-T-G.
Other names: short protein forms F6181C.
Identifiers: ClinVar variation 1315627 (VCV001315627.2), dbSNP rs2126894072, ClinGen allele CA360432234.
Genomic context (GRCh38, chr5:91,150,139, plus strand): 5'-GCCCTATGAAGGCCAGTTACACTGTGGAAATGAATGGGCATCCTGGACCCAGCACAGCCT[T>G]TTTCACGCCCGGGAGTGGAATGCCTCCTGCTGGAGGGGAAATCAGCAAGTCCACCCAGAA-3'
Protein context (NP_115495.3, residues 6171-6191): MNGHPGPSTA[Phe6181Cys]FTPGSGMPPA